The following is an entry in ClinVar:

NM_201384.3(PLEC):c.10068C>G (p.Cys3356Trp)

Gene: PLEC (plectin; minus strand). Cytogenetic location: 8q24.3.
Variant type: single nucleotide variant.
Coding change: c.10068C>G on transcript NM_201384.3 (MANE Select); coding-DNA position 10068, C replaced by G.
Protein change: p.Cys3356Trp; replaces cysteine 3356 with tryptophan.
Molecular consequence: missense variant.
Genome position (GRCh38, 1-based): chr8:143,919,753, G>C on the plus strand (C>G on the coding strand, the complement: PLEC is on the minus strand). VCF-style: chr8-143919753-G-C. GRCh37 (hg19) VCF-style: chr8-144993921-G-C.
Other names: c.10149C>G, p.Cys3383Trp (NM_000445.5); c.6768C>G, p.Cys2256Trp (NM_001410941.1); c.10026C>G, p.Cys3342Trp (NM_201378.4); c.10002C>G, p.Cys3334Trp (NM_201379.3); c.10479C>G, p.Cys3493Trp (NM_201380.4); c.9972C>G, p.Cys3324Trp (NM_201381.3); c.10068C>G, p.Cys3356Trp (NM_201382.4); c.10080C>G, p.Cys3360Trp (NM_201383.3); short protein forms C3360W, C3324W, C3334W, C3342W, C3383W, C2256W, C3356W, C3493W.
Identifiers: ClinVar variation 4787750 (VCV004787750.1).

ClinVar aggregate classification (germline): Uncertain significance (1 of 4 stars; one submission).

Conditions:
Epidermolysis bullosa simplex with nail dystrophy (EBS5D). Identifiers: MedGen C4225309, MONDO:0014661, OMIM 616487.
Epidermolysis bullosa simplex, Ogna type (EBS5A). Also called: EPIDERMOLYSIS BULLOSA SIMPLEX 5A, OGNA TYPE; Pidermolysis bullosa simplex 5A, Ogna type. Identifiers: Orphanet 79401, MedGen C0432317, MONDO:0007555, OMIM 131950.
Autosomal recessive limb-girdle muscular dystrophy type 2Q (LGMDR17). Also called: MUSCULAR DYSTROPHY, LIMB-GIRDLE, AUTOSOMAL RECESSIVE 17. Identifiers: Orphanet 254361, MedGen C3150989, MONDO:0013390, OMIM 613723.
Epidermolysis bullosa simplex 5B, with muscular dystrophy (EBS5B). Also called: EPIDERMOLYSIS BULLOSA SIMPLEX AND LIMB-GIRDLE MUSCULAR DYSTROPHY; Epidermolysis bullosa simplex with muscular dystrophy. Identifiers: Orphanet 257, MedGen C2931072, MONDO:0009181, OMIM 226670.
Epidermolysis bullosa simplex 5C, with pyloric atresia (EBS5C). Also called: PLEC-Related Epidermolysis Bullosa with Pyloric Atresia; Epidermolysis bullosa simplex with pyloric atresia; PLEC1-Related Epidermolysis Bullosa with Pyloric Atresia. Identifiers: Orphanet 158684, MedGen C2677349, MONDO:0012807, OMIM 612138.

gnomAD v4.1: 14 of 1,609,204 alleles (0.00087%); highest among the groups gnomAD compares: Non-Finnish European, 0.0012%; no homozygotes.

Submission:

Labcorp Genetics (formerly Invitae), Labcorp
Classification: Uncertain significance for Autosomal recessive limb-girdle muscular dystrophy type 2Q; Epidermolysis bullosa simplex, Ogna type; Epidermolysis bullosa simplex with nail dystrophy; Epidermolysis bullosa simplex 5C, with pyloric atresia; Epidermolysis bullosa simplex 5B, with muscular dystrophy. Last evaluated: 2025-08-18. Review status: criteria provided, single submitter. Criteria: Invitae Variant Classification Sherloc (09022015). Collection method: clinical testing. Allele origin: germline.
Comment: This sequence change replaces cysteine, which is neutral and slightly polar, with tryptophan, which is neutral and slightly polar, at codon 3383 of the PLEC protein (p.Cys3383Trp). This variant is not present in population databases (gnomAD no frequency). This variant has not been reported in the literature in individuals affected with PLEC-related conditions. An algorithm developed to predict the effect of missense changes on protein structure and function (PolyPhen-2) suggests that this variant is likely to be disruptive. In summary, the available evidence is currently insufficient to determine the role of this variant in disease. Therefore, it has been classified as a Variant of Uncertain Significance.